The following is an entry in ClinVar:

ClinVar aggregate classification (germline): Uncertain significance (1 of 4 stars; one submission).

Conditions:
Immunodeficiency 132A. Also called: Herpes simplex encephalitis, susceptibility to, 3. Identifiers: Orphanet 1930, MedGen C3553868, MONDO:0013920, OMIM 614849.

Allele frequency attached by ClinVar (database versions not stated): ExAC 0.00003.
gnomAD v4.1: 20 of 1,613,758 alleles (0.0012%); highest among the groups gnomAD compares: African/African-American, 0.0013%; no homozygotes.

Submission:

Labcorp Genetics (formerly Invitae), Labcorp
Classification: Uncertain significance for Immunodeficiency 132A. Last evaluated: 2025-03-07. Review status: criteria provided, single submitter. Criteria: Invitae Variant Classification Sherloc (09022015). Collection method: clinical testing. Allele origin: germline.
Comment: This sequence change replaces arginine, which is basic and polar, with tryptophan, which is neutral and slightly polar, at codon 376 of the TRAF3 protein (p.Arg376Trp). This variant is present in population databases (rs756511978, gnomAD 0.02%). This variant has not been reported in the literature in individuals affected with TRAF3-related conditions. ClinVar contains an entry for this variant (Variation ID: 1965149). An algorithm developed to predict the effect of missense changes on protein structure and function (PolyPhen-2) suggests that this variant is likely to be tolerated. In summary, the available evidence is currently insufficient to determine the role of this variant in disease. Therefore, it has been classified as a Variant of Uncertain Significance.

NM_145725.3(TRAF3):c.1126C>T (p.Arg376Trp)

Gene: TRAF3 (TNF receptor associated factor 3; plus strand). Cytogenetic location: 14q32.32.
Variant type: single nucleotide variant.
Coding change: c.1126C>T on transcript NM_145725.3 (MANE Select); coding-DNA position 1126, C replaced by T.
Protein change: p.Arg376Trp; replaces arginine 376 with tryptophan.
Molecular consequence: missense variant.
Genome position (GRCh38, 1-based): chr14:102,903,420, C>T. VCF-style: chr14-102903420-C-T. GRCh37 (hg19) VCF-style: chr14-103369757-C-T.
Other names: c.1051C>T, p.Arg351Trp (NM_145726.3); c.877C>T, p.Arg293Trp (NM_001199427.2); c.985C>T, p.Arg329Trp (NM_001385142.1); c.1045C>T, p.Arg349Trp (NM_001385143.1); c.1126C>T, p.Arg376Trp (NM_003300.4); short protein forms R329W, R351W, R293W, R349W, R376W.
Identifiers: ClinVar variation 1965149 (VCV001965149.5), dbSNP rs756511978, ClinGen allele CA7359512.
Genomic context (GRCh38, chr14:102,903,420, plus strand): 5'-TCCCTCCAGAACCGCGTGACCGAGCTGGAGAGCGTGGACAAGAGCGCGGGGCAAGTGGCT[C>T]GGAACACAGGTGAGGCAGGGGCCGGGGCCGGGCCAGCAGTGTGCATCTGGGCCCCGGGCG-3'
Protein context (NP_663777.1, residues 366-386): SVDKSAGQVA[Arg376Trp]NTGLLESQLS